The following is an entry in ClinVar:

ClinVar aggregate classification (germline): Uncertain significance. Review status: criteria provided, multiple submitters, no conflicts (2 of 4 stars). 2 submissions from 2 submitters: Uncertain significance (2). Last evaluated 2026-07-29.

Conditions:
Inborn genetic diseases. Identifiers: MedGen C0950123, MeSH D030342.

Submissions (2):

Ambry Genetics
Classification: Uncertain significance for Inborn genetic diseases. Last evaluated: 2026-07-29. Review status: criteria provided, single submitter. Criteria: Ambry Variant Classification Scheme 2023. Collection method: clinical testing. Allele origin: germline.
Comment: The c.3244G>A (p.E1082K) alteration is located in exon 21 (coding exon 21) of the FLNB gene. This alteration results from a G to A substitution at nucleotide position 3244, causing the glutamic acid (E) at amino acid position 1082 to be replaced by a lysine (K). Based on data from gnomAD, the A allele has an overall frequency of <0.001% (1/251314) total alleles studied. The highest observed frequency was 0.003% (1/34574) of Latino alleles. Based on insufficient or conflicting evidence, the clinical significance of this alteration remains unclear.

Labcorp Genetics (formerly Invitae), Labcorp
Classification: Uncertain significance. Last evaluated: 2024-02-11. Review status: criteria provided, single submitter. Criteria: Invitae Variant Classification Sherloc (09022015). Collection method: clinical testing. Allele origin: germline.
Comment: This sequence change replaces glutamic acid, which is acidic and polar, with lysine, which is basic and polar, at codon 1082 of the FLNB protein (p.Glu1082Lys). This variant is present in population databases (rs754374081, gnomAD 0.003%). This variant has not been reported in the literature in individuals affected with FLNB-related conditions. Advanced modeling of protein sequence and biophysical properties (such as structural, functional, and spatial information, amino acid conservation, physicochemical variation, residue mobility, and thermodynamic stability) performed at Invitae indicates that this missense variant is not expected to disrupt FLNB protein function with a negative predictive value of 95%. In summary, the available evidence is currently insufficient to determine the role of this variant in disease. Therefore, it has been classified as a Variant of Uncertain Significance.

NM_001457.4(FLNB):c.3244G>A (p.Glu1082Lys)

Gene: FLNB (filamin B; plus strand). Cytogenetic location: 3p14.3.
Variant type: single nucleotide variant.
Coding change: c.3244G>A on transcript NM_001457.4 (MANE Select); coding-DNA position 3244, G replaced by A.
Protein change: p.Glu1082Lys; replaces glutamic acid 1082 with lysine.
Molecular consequence: missense variant.
Genome position (GRCh38, 1-based): chr3:58,123,210, G>A. VCF-style: chr3-58123210-G-A. GRCh37 (hg19) VCF-style: chr3-58108937-G-A.
Other names: c.3244G>A, p.Glu1082Lys (NM_001164317.2, NM_001164318.2, NM_001164319.2); c.3244G>A (NM_001457.3); short protein forms E1082K.
Identifiers: ClinVar variation 3628194 (VCV003628194.3).